The following is an entry in ClinVar:

NM_001267550.2(TTN):c.43777dup (p.Gln14593fs)

Gene: TTN (titin; minus strand). Cytogenetic location: 2q31.2.
Variant type: Duplication.
Coding change: c.43777dup on transcript NM_001267550.2 (MANE Select); coding-DNA position 43777, one base duplicated (C; older notation c.43777dupC).
Protein change: p.Gln14593fs; shifts the reading frame from glutamine 14593.
Molecular consequence: frameshift variant.
Genome position (GRCh38, 1-based): chr2:178,631,271, G duplicated on the plus strand (C on the coding strand, the reverse complement: TTN is on the minus strand). VCF-style (leftmost placement, unchanged base first): chr2-178631270-T-TG. GRCh37 (hg19) VCF-style: chr2-179495997-T-TG.
Other names: c.38854dup, p.Gln12952fs (NM_001256850.1); c.16582dup, p.Gln5528fs (NM_003319.4); c.36073dup, p.Gln12025fs (NM_133378.4); c.16957dup, p.Gln5653fs (NM_133432.3); c.17158dup, p.Gln5720fs (NM_133437.4); short protein forms Q12025fs, Q5528fs, Q14593fs, Q5653fs, Q5720fs, Q12952fs.
Identifiers: ClinVar variation 2948520 (VCV002948520.3), dbSNP rs2471419930, ClinGen allele CA2740095928.

ClinVar aggregate classification (germline): Likely pathogenic (1 of 4 stars; one submission).

Conditions:
Dilated cardiomyopathy 1G (CMD1G). Identifiers: Orphanet 154, MedGen C1858763, MONDO:0011400, OMIM 604145.
Autosomal recessive limb-girdle muscular dystrophy type 2J (LGMDR10). Also called: Limb-girdle muscular dystrophy, type 2J; MUSCULAR DYSTROPHY, LIMB-GIRDLE, AUTOSOMAL RECESSIVE 10. Identifiers: Orphanet 140922, MedGen C1837342, MONDO:0012127, OMIM 608807.

Submission:

Labcorp Genetics (formerly Invitae), Labcorp
Classification: Likely pathogenic for Dilated cardiomyopathy 1G; Autosomal recessive limb-girdle muscular dystrophy type 2J. Last evaluated: 2024-10-18. Review status: criteria provided, single submitter. Criteria: Invitae Variant Classification Sherloc (09022015). Collection method: clinical testing. Allele origin: germline.
Comment: This sequence change creates a premature translational stop signal (p.Gln14593Profs*10) in the TTN gene. While this is not anticipated to result in nonsense mediated decay, it is expected to create a truncated TTN protein. This variant is not present in population databases (gnomAD no frequency). This variant has not been reported in the literature in individuals affected with TTN-related conditions. This variant is located in the I band of TTN (PMID: 25589632). Truncating variants in this region have been reported in individuals affected with autosomal recessive centronuclear myopathy (PMID: 23975875, internal data). Truncating variants in this region have also been identified in individuals affected with autosomal dominant dilated cardiomyopathy and/or cardio-related conditions (PMID: 27869827, 32964742, internal data). In summary, the currently available evidence indicates that the variant is pathogenic, but additional data are needed to prove that conclusively. Therefore, this variant has been classified as Likely Pathogenic.

Literature cited by the submitters: PubMed 25589632; PubMed 23975875; PubMed 27869827; PubMed 32964742.